The following is an entry in ClinVar:

NM_001323289.2(CDKL5):c.220G>T (p.Glu74Ter)

Gene: CDKL5 (cyclin dependent kinase like 5; plus strand). Cytogenetic location: Xp22.13.
Variant type: single nucleotide variant.
Coding change: c.220G>T on transcript NM_001323289.2 (MANE Select); coding-DNA position 220, G replaced by T.
Protein change: p.Glu74Ter; replaces glutamic acid 74 with a stop codon.
Molecular consequence: nonsense.
Genome position (GRCh38, 1-based): chrX:18,575,428, G>T. VCF-style: chrX-18575428-G-T. GRCh37 (hg19) VCF-style: chrX-18593548-G-T.
Other names: p.E74*:GAG>TAG; NM_001323289.2(CDKL5):c.220G>T; p.Glu74Ter; c.220G>T, p.Glu74Ter (NM_001037343.2, NM_003159.3); short protein forms E74*.
Identifiers: ClinVar variation 156592 (VCV000156592.4), dbSNP rs587783073, ClinGen allele CA294584.
Genomic context (GRCh38, chrX:18,575,428, plus strand): 5'-AAAGAAACGACTTTACGAGAGCTTAAAATGCTTCGGACTCTCAAGCAGGAAAACATTGTG[G>T]AGTTGAAGGAAGCATTTCGTCGGAGGGGAAAGTTGTACTTGGTGTTTGAGTATGTTGAAA-3'

ClinVar aggregate classification (germline): Pathogenic. Review status: reviewed by expert panel (3 of 4 stars). 3 submissions from 3 submitters: Pathogenic (1). 2 of the submissions do not count toward it. Last evaluated 2025-05-07.

Conditions:
CDKL5 disorder. Identifiers: MedGen CN296942, MONDO:0100039.

Submissions (3):

ClinGen Rett and Angelman-like Disorders Variant Curation Expert Panel
Classification: Pathogenic for CDKL5 disorder. Last evaluated: 2025-05-07. Review status: reviewed by expert panel. Criteria: ClinGen RettAS ACMG Specifications CDKL5 V4.1.0. Collection method: curation. Allele origin: germline. Inheritance: X-linked inheritance.
Comment: The p.Glu74Ter variant in CDKL5 is predicted to cause a premature stop codon that leads to a truncated or absent protein in a gene where loss-of-function is an established mechanism. There is significant evidence that loss of this region of the gene is pathogenic (PVS1). The p.Glu74Ter variant has been observed in 3 individuals with CDKL5-related disorders (PMID 3131328, PMID 25657822, GeneDx internal database) (PS4_moderate). The p.Glu74Ter variant in CDKL5 is absent from gnomAD v4.1 (PM2_Supporting). In summary, the p.Glu74Ter variant in CDKL5 is classified as pathogenic for CDKL5-related disorders based on the ACMG/AMP criteria (PVS1, PS4_moderate, PM2_supporting). (CDKL5 Specifications v4.1; curation approved on [5/7/2025])

Centre for Population Genomics, CPG
Classification: Uncertain significance for CDKL5 disorder. Last evaluated: 2024-07-15. Review status: criteria provided, single submitter. Criteria: McKnight et al. (Hum Mutat. 2022). Collection method: curation. Allele origin: germline. Inheritance: X-linked inheritance. Not counted in ClinVar's aggregate classification.
Comment: This variant has been collected from RettBASE and curated to current modified ACMG/AMP criteria. Based on the classification scheme defined by the ClinGen Rett/Angelman-like Expert Panel for Rett/AS-like Disorders Specifications to the ACMG/AMP Variant Interpretation Guidelines VCEP 3.0, this variant is classified as likely pathogenic. At least the following criteria are met: Predicted to result in loss of function, and LOF is a known mechanism of disease (PVS1). This variant is absent from gnomAD (PM2_Supporting).

GeneDx
Classification: Pathogenic. Last evaluated: 2013-01-11. Review status: criteria provided, single submitter. Criteria: GeneDx Variant Classification (06012015). Collection method: clinical testing. Allele origin: germline. Affected: yes. Not counted in ClinVar's aggregate classification.
Comment: The Glu74Stop nonsense mutation in the CDKL5 gene is predicted to cause loss of normal protein function either through protein truncation or nonsense-mediated mRNA decay. Although this mutation has not been reported previously to our knowledge, many other nonsense mutations have been reported in CDKL5 in association with epilepsy. The variant is found in INFANT-EPI panel(s).